The following is an entry in ClinVar:

NM_000088.4(COL1A1):c.3238_3246dup (p.Gly1082_Ala1083insProValGly)

Gene: COL1A1 (collagen type I alpha 1 chain; minus strand). Cytogenetic location: 17q21.33.
Variant type: Duplication.
Coding change: c.3238_3246dup on transcript NM_000088.4 (MANE Select); coding-DNA positions 3238 to 3246, 9 bases duplicated (CCTGTTGGC; older notation c.3238_3246dupCCTGTTGGC).
Protein change: p.Gly1082_Ala1083insProValGly.
Molecular consequence: inframe insertion.
Genome position (GRCh38, 1-based): chr17:50,188,111-50,188,119, GCCAACAGG duplicated on the plus strand (CCTGTTGGC on the coding strand, the reverse complement: COL1A1 is on the minus strand); duplicating any 9 consecutive bases within chr17:50,188,111-50,188,122 gives the same sequence; the c. name uses the placement nearest the transcript's 3' end. VCF-style (leftmost placement, unchanged base first): chr17-50188110-C-CGCCAACAGG. GRCh37 (hg19) VCF-style: chr17-48265471-C-CGCCAACAGG.
Identifiers: ClinVar variation 2031032 (VCV002031032.4), dbSNP rs2509174180, ClinGen allele CA2580094216.

ClinVar aggregate classification (germline): Uncertain significance (1 of 4 stars; one submission).

Conditions:
Osteogenesis imperfecta type I (OI1). Also called: OI, TYPE I; OSTEOGENESIS IMPERFECTA TARDA; OSTEOGENESIS IMPERFECTA WITH BLUE SCLERAE; Osteogenesis imperfecta type 1; Classic Non-deforming Osteogenesis Imperfecta with Blue Sclerae; Lobstein disease. Identifiers: Orphanet 216796, Orphanet 666, MedGen C0023931, MONDO:0008146, OMIM 166200. Disease mechanism: loss of function.

Submission:

Labcorp Genetics (formerly Invitae), Labcorp
Classification: Uncertain significance for Osteogenesis imperfecta type I. Last evaluated: 2022-09-17. Review status: criteria provided, single submitter. Criteria: Invitae Variant Classification Sherloc (09022015). Collection method: clinical testing. Allele origin: germline.
Comment: In summary, the available evidence is currently insufficient to determine the role of this variant in disease. Therefore, it has been classified as a Variant of Uncertain Significance. Experimental studies and prediction algorithms are not available or were not evaluated, and the functional significance of this variant is currently unknown. This variant has not been reported in the literature in individuals affected with COL1A1-related conditions. This variant is not present in population databases (gnomAD no frequency). This variant, c.3238_3246dup, results in the insertion of 3 amino acid(s) of the COL1A1 protein (p.Pro1080_Gly1082dup), but otherwise preserves the integrity of the reading frame.